The following is an entry in ClinVar:

NM_000071.3(CBS):c.348G>T (p.Gly116=)

Gene: CBS (cystathionine beta-synthase; minus strand). Cytogenetic location: 21q22.3.
Variant type: single nucleotide variant.
Coding change: c.348G>T on transcript NM_000071.3 (MANE Select); coding-DNA position 348, G replaced by T.
Protein change: p.Gly116=; no amino-acid change (glycine 116 retained).
Molecular consequence: synonymous variant.
Genome position (GRCh38, 1-based): chr21:43,066,346, C>A on the plus strand (G>T on the coding strand, the complement: CBS is on the minus strand). VCF-style: chr21-43066346-C-A. GRCh37 (hg19) VCF-style: chr21-44486456-C-A.
Other names: c.348G>T, p.Gly116= (NM_001178008.3, NM_001178009.3, NM_001320298.2); c.33G>T, p.Gly11= (NM_001321072.1).
Identifiers: ClinVar variation 388709 (VCV000388709.1), dbSNP rs902976689, ClinGen allele CA16608525.

ClinVar aggregate classification (germline): Likely benign (1 of 4 stars; one submission).

Submission:

GeneDx
Classification: Likely benign. Last evaluated: 2016-08-16. Review status: criteria provided, single submitter. Criteria: GeneDx Variant Classification (06012015). Collection method: clinical testing. Allele origin: germline. Affected: yes.
Comment: This variant is considered likely benign or benign based on one or more of the following criteria: it is a conservative change, it occurs at a poorly conserved position in the protein, it is predicted to be benign by multiple in silico algorithms, and/or has population frequency not consistent with disease.